The following is an entry in ClinVar:

NM_000057.4(BLM):c.3622G>A (p.Val1208Met)

Gene: BLM (BLM RecQ like helicase; plus strand). Cytogenetic location: 15q26.1.
Variant type: single nucleotide variant.
Coding change: c.3622G>A on transcript NM_000057.4 (MANE Select); coding-DNA position 3622, G replaced by A.
Protein change: p.Val1208Met; replaces valine 1208 with methionine.
Molecular consequence: missense variant. On other transcripts: intron variant (1).
Genome position (GRCh38, 1-based): chr15:90,804,230, G>A. VCF-style: chr15-90804230-G-A. GRCh37 (hg19) VCF-style: chr15-91347460-G-A.
Other names: c.3622G>A, p.Val1208Met (NM_001287246.2); c.2497G>A, p.Val833Met (NM_001287248.2); c.3359-4907G>A (NM_001287247.2); short protein forms V1208M, V833M.
Identifiers: ClinVar variation 2753767 (VCV002753767.1), dbSNP rs2505549889, ClinGen allele CA393848021.
Genomic context (GRCh38, chr15:90,804,230, plus strand): 5'-GACTTTATGGAAACAGAAAATTCCAGCAGTGTGAAAAAACAAAAAGCGTTAGTAGCAAAA[G>A]TGTCTCAGAGGGAAGAGATGGTTAAAAAATGTCTTGGAGAACTTACAGAAGTCTGCAAAT-3'
Protein context (NP_000048.1, residues 1198-1218): VKKQKALVAK[Val1208Met]SQREEMVKKC

ClinVar aggregate classification (germline): Uncertain significance (1 of 4 stars; one submission).

Conditions:
Bloom syndrome (BLM). Also called: Bloom-Torre-Machacek syndrome. Identifiers: Orphanet 125, MedGen C0005859, MONDO:0008876, OMIM 210900.

gnomAD v4.1: 1 of 1,614,156 alleles (0.000062%); no homozygotes.

Submission:

Labcorp Genetics (formerly Invitae), Labcorp
Classification: Uncertain significance for Bloom syndrome. Last evaluated: 2023-08-18. Review status: criteria provided, single submitter. Criteria: Invitae Variant Classification Sherloc (09022015). Collection method: clinical testing. Allele origin: germline.
Comment: This sequence change replaces valine, which is neutral and non-polar, with methionine, which is neutral and non-polar, at codon 1208 of the BLM protein (p.Val1208Met). This variant is not present in population databases (gnomAD no frequency). This variant has not been reported in the literature in individuals affected with BLM-related conditions. Advanced modeling of protein sequence and biophysical properties (such as structural, functional, and spatial information, amino acid conservation, physicochemical variation, residue mobility, and thermodynamic stability) performed at Invitae indicates that this missense variant is not expected to disrupt BLM protein function. In summary, the available evidence is currently insufficient to determine the role of this variant in disease. Therefore, it has been classified as a Variant of Uncertain Significance.